The following is an entry in ClinVar:

NM_006766.5(KAT6A):c.1720A>C (p.Asn574His)

Gene: KAT6A (lysine acetyltransferase 6A; minus strand). Cytogenetic location: 8p11.21.
Variant type: single nucleotide variant.
Coding change: c.1720A>C on transcript NM_006766.5 (MANE Select); coding-DNA position 1720, A replaced by C.
Protein change: p.Asn574His; replaces asparagine 574 with histidine.
Molecular consequence: missense variant.
Genome position (GRCh38, 1-based): chr8:41,949,242, T>G on the plus strand (A>C on the coding strand, the complement: KAT6A is on the minus strand). VCF-style: chr8-41949242-T-G. GRCh37 (hg19) VCF-style: chr8-41806760-T-G.
Other names: c.1720A>C, p.Asn574His (NM_001305878.2); short protein forms N574H.
Identifiers: ClinVar variation 2856715 (VCV002856715.3), dbSNP rs2486789794, ClinGen allele CA371074175.

ClinVar aggregate classification (germline): Uncertain significance (1 of 4 stars; one submission).

Submission:

Labcorp Genetics (formerly Invitae), Labcorp
Classification: Uncertain significance. Last evaluated: 2023-04-15. Review status: criteria provided, single submitter. Criteria: Invitae Variant Classification Sherloc (09022015). Collection method: clinical testing. Allele origin: germline.
Comment: This sequence change replaces asparagine, which is neutral and polar, with histidine, which is basic and polar, at codon 574 of the KAT6A protein (p.Asn574His). In summary, the available evidence is currently insufficient to determine the role of this variant in disease. Therefore, it has been classified as a Variant of Uncertain Significance. Advanced modeling of protein sequence and biophysical properties (such as structural, functional, and spatial information, amino acid conservation, physicochemical variation, residue mobility, and thermodynamic stability) performed at Invitae indicates that this missense variant is expected to disrupt KAT6A protein function. This variant has not been reported in the literature in individuals affected with KAT6A-related conditions. This variant is not present in population databases (gnomAD no frequency).